The following is an entry in ClinVar:

NM_000038.6(APC):c.3471_3474del (p.Glu1157fs)

Gene: APC (APC regulator of Wnt signaling pathway; plus strand). Cytogenetic location: 5q22.2.
Variant type: Microsatellite.
Coding change: c.3471_3474del on transcript NM_000038.6 (MANE Select); coding-DNA positions 3471 to 3474, 4 bases deleted (GAGA; older notation c.3471_3474delGAGA).
Protein change: p.Glu1157fs; shifts the reading frame from glutamic acid 1157.
Molecular consequence: frameshift variant.
Genome position (GRCh38, 1-based): chr5:112,839,065-112,839,068, GAGA deleted; deleting any 4 consecutive bases within chr5:112,839,062-112,839,068 gives the same sequence; the c. name uses the placement nearest the transcript's 3' end. VCF-style (leftmost placement, unchanged base first): chr5-112839061-AAGAG-A. GRCh37 (hg19) VCF-style: chr5-112174758-AAGAG-A.
Other names: c.3471_3474del, p.Glu1157fs (NM_001127510.3, NM_001354895.2); c.3417_3420del, p.Glu1139fs (NM_001127511.3); c.3525_3528del, p.Glu1175fs (NM_001354896.2); c.3501_3504del, p.Glu1167fs (NM_001354897.2); c.3396_3399del, p.Glu1132fs (NM_001354898.2); c.3387_3390del, p.Glu1129fs (NM_001354899.2); c.3348_3351del, p.Glu1116fs (NM_001354900.2); c.3294_3297del, p.Glu1098fs (NM_001354901.2); and 5 more; short protein forms E1031fs, E1098fs, E1175fs, E997fs, E1129fs, E1132fs, E1167fs, E1056fs.
Identifiers: ClinVar variation 186532 (VCV000186532.16), dbSNP rs786203020, ClinGen allele CA008422.

ClinVar aggregate classification (germline): Pathogenic. Review status: criteria provided, multiple submitters, no conflicts (2 of 4 stars). 5 submissions from 4 submitters: Pathogenic (4). 1 of the submissions does not count toward it. Last evaluated 2024-07-08.

Conditions:
Hereditary cancer-predisposing syndrome. Also called: Neoplastic Syndromes, Hereditary; Tumor predisposition; Hereditary Cancer Syndrome; Hereditary neoplastic syndrome. Identifiers: Orphanet 140162, MedGen C0027672, MeSH D009386, MONDO:0015356.
Familial adenomatous polyposis 1 (FAP1). Also called: FAMILIAL ADENOMATOUS POLYPOSIS 1, ATTENUATED; POLYPOSIS, ADENOMATOUS INTESTINAL. Identifiers: MedGen C2713442, MONDO:0021056, OMIM 175100. Disease mechanism: loss of function.

Submissions (5):

Ambry Genetics
Classification: Pathogenic for Hereditary cancer-predisposing syndrome. Last evaluated: 2024-07-08. Review status: criteria provided, single submitter. Criteria: Ambry Variant Classification Scheme 2023. Collection method: clinical testing. Allele origin: germline.
Comment: The c.3471_3474delGAGA pathogenic mutation, located in coding exon 15 of the APC gene, results from a deletion of 4 nucleotides at nucleotide positions 3471 to 3474, causing a translational frameshift with a predicted alternate stop codon (p.E1157Dfs*7). This alteration occurs at the 3' terminus of theAPC gene, is not expected to trigger nonsense-mediated mRNA decay, and impacts the last 40.9% of the protein. However, premature stop codons are typically deleterious in nature and a significant portion of the protein is affected (Ambry internal data). This variant has been reported in multiple individuals with a clinical diagnosis of familial adenomatous polyposis or attenuated familial adenomatous polyposis (Norheim Andersen S et al. Scand. J. Gastroenterol.1999 Jun;34:611-7; Friedl W et al. Hered Cancer Clin Pract. 2005 Sep;3:95-114; Soravia C et al. Int J Colorectal Dis. 2006 Jan;21:79-83; Andresen PA et al. J. Cancer Res. Clin. Oncol. 2009 Oct;135:1463-70; Papp J et al. Fam. Cancer. 2016 Jan;15:85-97). This variant is considered to be rare based on population cohorts in the Genome Aggregation Database (gnomAD). Based on the supporting evidence, this variant is interpreted as a disease-causing mutation.

Labcorp Genetics (formerly Invitae), Labcorp
Classification: Pathogenic for Familial adenomatous polyposis 1. Last evaluated: 2023-08-10. Review status: criteria provided, single submitter. Criteria: Invitae Variant Classification Sherloc (09022015). Collection method: clinical testing. Allele origin: germline.
Comment: This variant is not present in population databases (gnomAD no frequency). This sequence change creates a premature translational stop signal (p.Glu1157Aspfs*7) in the APC gene. While this is not anticipated to result in nonsense mediated decay, it is expected to disrupt the last 1687 amino acid(s) of the APC protein. This premature translational stop signal has been observed in individual(s) with familial adenomatous polyposis (PMID: 10440612, 16676398, 17411426, 20223039, 20685668). ClinVar contains an entry for this variant (Variation ID: 186532). This variant is expected to disrupt the EB1 and HDLG binding sites, which mediate interactions with the cytoskeleton (PMID: 15311282, 17293347). While functional studies have not been performed to directly test the effect on APC protein function, this suggests that disruption of the C-terminal portion of the protein is functionally important. A different truncation (p.Tyr2645Lysfs*14) that lies downstream of this variant has been determined to be pathogenic (PMID: 9824584, 1316610, 27081525, 8381579, 22135120, Invitae). This suggests that deletion of this region of the APC protein is causative of disease. For these reasons, this variant has been classified as Pathogenic.

Myriad Genetics, Inc.
Classification: Pathogenic for Familial adenomatous polyposis 1. Last evaluated: 2023-05-08. Review status: criteria provided, single submitter. Criteria: Myriad Autosomal Dominant, Autosomal Recessive and X-Linked Classification Criteria (2023). Collection method: clinical testing. Allele origin: unknown.
Comment: This variant is considered pathogenic. This variant creates a frameshift predicted to result in premature protein truncation.

University of Science and Technology Houari Boumediene, Laboratory of Molecular and Cellular Biology (LBCM)
Classification: Pathogenic for Familial adenomatous polyposis 1. Review status: criteria provided, single submitter. Criteria: ACMG Guidelines, 2015. Collection method: clinical testing. Allele origin: germline. Inheritance: Autosomal dominant inheritance. Affected: yes. Observed: 1 heterozygote.

Labcorp Genetics (formerly Invitae), Labcorp
Classification: Pathogenic for Familial adenomatous polyposis 1. Last evaluated: 2016-03-02. Review status: flagged submission. Criteria: Invitae Variant Classification Sherloc (09022015). Collection method: clinical testing. Allele origin: germline. Not counted in ClinVar's aggregate classification.
Comment: This sequence change deletes 4 nucleotides from exon 16 of the APC mRNA (c.3471_3474delGAGA), causing a frameshift at codon 1157. This creates a premature translational stop signal (p.Glu1157Aspfs*7) and is expected to result in an absent or disrupted protein product. Truncating variants in APC are known to be pathogenic. This particular truncation has been reported in the literature in patients affected with familial adenomatous polyposis (PMID: 10440612, 16676398, 20685668, 17411426, 20223039). For these reasons, this variant has been classified as Pathogenic.
ClinVar note: Reason: This record appears to be redundant with a more recent record from the same submitter.
ClinVar note: Notes: SCV000282743 appears to be redundant with SCV002195665.

Literature cited by the submitters: PubMed 10440612 (cited by Ambry Genetics and Labcorp Genetics (formerly Invitae), Labcorp); PubMed 16676398 (cited by Ambry Genetics and Labcorp Genetics (formerly Invitae), Labcorp); PubMed 19444466 (cited by Ambry Genetics); PubMed 20223039 (cited by Ambry Genetics and Labcorp Genetics (formerly Invitae), Labcorp); PubMed 26446593 (cited by Ambry Genetics); PubMed 17411426 (cited by Labcorp Genetics (formerly Invitae), Labcorp); PubMed 20685668 (cited by Labcorp Genetics (formerly Invitae), Labcorp); PubMed 15311282 (cited by Labcorp Genetics (formerly Invitae), Labcorp); PubMed 17293347 (cited by Labcorp Genetics (formerly Invitae), Labcorp); PubMed 9824584 (cited by Labcorp Genetics (formerly Invitae), Labcorp); PubMed 1316610 (cited by Labcorp Genetics (formerly Invitae), Labcorp); PubMed 27081525 (cited by Labcorp Genetics (formerly Invitae), Labcorp); PubMed 8381579 (cited by Labcorp Genetics (formerly Invitae), Labcorp); PubMed 22135120 (cited by Labcorp Genetics (formerly Invitae), Labcorp); PubMed 35142982 (cited by University of Science and Technology Houari Boumediene, Laboratory of Molecular and Cellular Biology (LBCM)).